The following is an entry in ClinVar:

ClinVar aggregate classification (germline): Uncertain significance. Review status: criteria provided, multiple submitters, no conflicts (2 of 4 stars). 8 submissions from 5 submitters: Uncertain significance (8). Last evaluated 2025-05-19.

Conditions:
Basal laminar drusen. Also called: DRUSEN OF BRUCH MEMBRANE; DRUSEN, CUTICULAR; DRUSEN, EARLY ADULT-ONSET, GROUPED. Identifiers: Orphanet 75376, MedGen C0730295, MONDO:0007472, OMIM 126700.
Factor H deficiency (CFHD). Also called: COMPLEMENT FACTOR H DEFICIENCY; CFH DEFICIENCY. Identifiers: Orphanet 200421, MedGen C0398777, MONDO:0012350, OMIM 609814.
Hemolytic uremic syndrome, atypical, susceptibility to, 1. Also called: AHUS, SUSCEPTIBILITY TO, 1. Identifiers: Orphanet 2134, Orphanet 90038, MedGen C2749604, MONDO:0009335, OMIM 235400. Disease mechanism: Other.
Age related macular degeneration 4. Identifiers: MedGen C1853147, MONDO:0012540, OMIM 610698.
Inborn genetic diseases. Identifiers: MedGen C0950123, MeSH D030342.

Allele frequency attached by ClinVar (database versions not stated): gnomAD 0.00001; ESP Exome Variant Server 0.00008.
gnomAD v4.1: 29 of 1,611,526 alleles (0.0018%); highest among the groups gnomAD compares: Admixed American, 0.017%; no homozygotes.

Submissions (8):

Ambry Genetics
Classification: Uncertain significance for Inborn genetic diseases. Last evaluated: 2025-05-19. Review status: criteria provided, single submitter. Criteria: Ambry Variant Classification Scheme 2023. Collection method: clinical testing. Allele origin: germline.

Women's Health and Genetics/Laboratory Corporation of America, LabCorp
Classification: Uncertain significance. Last evaluated: 2025-01-16. Review status: criteria provided, single submitter. Criteria: LabCorp Variant Classification Summary - May 2015. Collection method: clinical testing. Allele origin: germline.
Comment: Variant summary: CFH c.1511C>T (p.Thr504Met) results in a non-conservative amino acid change in the encoded protein sequence. Three of five in-silico tools predict a benign effect of the variant on protein function. The variant allele was found at a frequency of 4.8e-05 in 250600 control chromosomes (gnomAD). This frequency is not significantly higher than estimated for a pathogenic variant in CFH causing CFH-Related Disorders, allowing no conclusion about variant significance. To our knowledge, no occurrence of c.1511C>T in individuals affected with CFH-Related Disorders and no experimental evidence demonstrating its impact on protein function have been reported. ClinVar contains an entry for this variant (Variation ID: 1507082). Based on the evidence outlined above, the variant was classified as uncertain significance.

Labcorp Genetics (formerly Invitae), Labcorp
Classification: Uncertain significance. Last evaluated: 2024-12-03. Review status: criteria provided, single submitter. Criteria: Invitae Variant Classification Sherloc (09022015). Collection method: clinical testing. Allele origin: germline.
Comment: This sequence change replaces threonine, which is neutral and polar, with methionine, which is neutral and non-polar, at codon 504 of the CFH protein (p.Thr504Met). This variant is present in population databases (rs377008918, gnomAD 0.02%). This variant has not been reported in the literature in individuals affected with CFH-related conditions. ClinVar contains an entry for this variant (Variation ID: 1507082). An algorithm developed to predict the effect of missense changes on protein structure and function (PolyPhen-2) suggests that this variant¬†is likely to be tolerated. In summary, the available evidence is currently insufficient to determine the role of this variant in disease. Therefore, it has been classified as a Variant of Uncertain Significance.

Genome-Nilou Lab
Classification: Uncertain significance for Hemolytic uremic syndrome, atypical, susceptibility to, 1. Last evaluated: 2023-04-11. Review status: criteria provided, single submitter. Criteria: ACMG Guidelines, 2015. Collection method: clinical testing. Allele origin: germline. Affected: no.

Genome-Nilou Lab
Classification: Uncertain significance for Age related macular degeneration 4. Last evaluated: 2023-04-11. Review status: criteria provided, single submitter. Criteria: ACMG Guidelines, 2015. Collection method: clinical testing. Allele origin: germline. Affected: no.

Genome-Nilou Lab
Classification: Uncertain significance for Basal laminar drusen. Last evaluated: 2023-04-11. Review status: criteria provided, single submitter. Criteria: ACMG Guidelines, 2015. Collection method: clinical testing. Allele origin: germline. Affected: no.

Genome-Nilou Lab
Classification: Uncertain significance for Factor H deficiency. Last evaluated: 2023-04-11. Review status: criteria provided, single submitter. Criteria: ACMG Guidelines, 2015. Collection method: clinical testing. Allele origin: germline. Affected: no.

Fulgent Genetics
Classification: Uncertain significance for Basal laminar drusen; Hemolytic uremic syndrome, atypical, susceptibility to, 1; Factor H deficiency; Age related macular degeneration 4. Last evaluated: 2022-04-10. Review status: criteria provided, single submitter. Criteria: ACMG Guidelines, 2015. Collection method: clinical testing. Allele origin: unknown.

NM_000186.4(CFH):c.1511C>T (p.Thr504Met)

Gene: CFH (complement factor H; plus strand). Cytogenetic location: 1q31.3.
Variant type: single nucleotide variant.
Coding change: c.1511C>T on transcript NM_000186.4 (MANE Select); coding-DNA position 1511, C replaced by T.
Protein change: p.Thr504Met; replaces threonine 504 with methionine.
Molecular consequence: missense variant.
Genome position (GRCh38, 1-based): chr1:196,713,909, C>T. VCF-style: chr1-196713909-C-T. GRCh37 (hg19) VCF-style: chr1-196683039-C-T.
Other names: c.1511C>T (NM_000186.3); short protein forms T504M.
Identifiers: ClinVar variation 1507082 (VCV001507082.13), dbSNP rs377008918, ClinGen allele CA1305404.